The following is an entry in ClinVar:

ClinVar aggregate classification (germline): Uncertain significance (1 of 4 stars; one submission).

Conditions:
Inborn genetic diseases. Identifiers: MedGen C0950123, MeSH D030342.

Submission:

Ambry Genetics
Classification: Uncertain significance for Inborn genetic diseases. Last evaluated: 2024-11-25. Review status: criteria provided, single submitter. Criteria: Ambry Variant Classification Scheme 2023. Collection method: clinical testing. Allele origin: germline.
Comment: The p.P447L variant (also known as c.1340C>T), located in coding exon 7 of the PIK3CA gene, results from a C to T substitution at nucleotide position 1340. The proline at codon 447 is replaced by leucine, an amino acid with similar properties. This amino acid position is conserved. In addition, the in silico prediction for this alteration is inconclusive. Since supporting evidence is limited at this time, the clinical significance of this alteration remains unclear.

NM_006218.4(PIK3CA):c.1340C>T (p.Pro447Leu)

Gene: PIK3CA (phosphatidylinositol-4,5-bisphosphate 3-kinase catalytic subunit alpha; plus strand). Cytogenetic location: 3q26.32.
Variant type: single nucleotide variant.
Coding change: c.1340C>T on transcript NM_006218.4 (MANE Select); coding-DNA position 1340, C replaced by T.
Protein change: p.Pro447Leu; replaces proline 447 with leucine.
Molecular consequence: missense variant.
Genome position (GRCh38, 1-based): chr3:179,210,274, C>T. VCF-style: chr3-179210274-C-T. GRCh37 (hg19) VCF-style: chr3-178928062-C-T.
Other names: short protein forms P447L.
Identifiers: ClinVar variation 1770353 (VCV001770353.3), dbSNP rs2108400555, ClinGen allele CA355261890.